The following is an entry in ClinVar:

ClinVar aggregate classification (germline): Uncertain significance. Review status: criteria provided, multiple submitters, no conflicts (2 of 4 stars). 2 submissions from 2 submitters: Uncertain significance (2). Last evaluated 2025-06-06.

Allele frequency attached by ClinVar (database versions not stated): gnomAD exomes 0.00001 and 0.00003; ExAC 0.00002; TOPMed 0.00002.
gnomAD v4.1: 5 of 1,613,992 alleles (0.00031%); highest among the groups gnomAD compares: East Asian, 0.011%; no homozygotes.

Submissions (2):

Labcorp Genetics (formerly Invitae), Labcorp
Classification: Uncertain significance. Last evaluated: 2025-06-06. Review status: criteria provided, single submitter. Criteria: Invitae Variant Classification Sherloc (09022015). Collection method: clinical testing. Allele origin: germline.
Comment: This sequence change replaces asparagine, which is neutral and polar, with histidine, which is basic and polar, at codon 75 of the RIMS1 protein (p.Asn75His). This variant is present in population databases (rs764174237, gnomAD 0.04%). This variant has not been reported in the literature in individuals affected with RIMS1-related conditions. ClinVar contains an entry for this variant (Variation ID: 1417353). An algorithm developed to predict the effect of missense changes on protein structure and function outputs the following: PolyPhen-2: "Benign". The histidine amino acid residue is found in multiple mammalian species, which suggests that this missense change does not adversely affect protein function. In summary, the available evidence is currently insufficient to determine the role of this variant in disease. Therefore, it has been classified as a Variant of Uncertain Significance.

Ambry Genetics
Classification: Uncertain significance. Last evaluated: 2023-10-13. Review status: criteria provided, single submitter. Criteria: Ambry Variant Classification Scheme 2023. Collection method: clinical testing. Allele origin: germline.

NM_014989.7(RIMS1):c.223A>C (p.Asn75His)

Gene: RIMS1 (regulating synaptic membrane exocytosis 1; plus strand). Cytogenetic location: 6q13.
Variant type: single nucleotide variant.
Coding change: c.223A>C on transcript NM_014989.7 (MANE Select); coding-DNA position 223, A replaced by C.
Protein change: p.Asn75His; replaces asparagine 75 with histidine.
Molecular consequence: missense variant. On other transcripts: intron variant (1).
Genome position (GRCh38, 1-based): chr6:71,969,041, A>C. VCF-style: chr6-71969041-A-C. GRCh37 (hg19) VCF-style: chr6-72678744-A-C.
Other names: c.223A>C, p.Asn75His (NM_001350411.1, NM_001350413.1); c.164+81854A>C (NM_001350412.1); c.223A>C (NM_014989.4); short protein forms N75H.
Identifiers: ClinVar variation 1417353 (VCV001417353.9), dbSNP rs764174237, ClinGen allele CA3885425.